The following is an entry in ClinVar:

ClinVar aggregate classification (germline): Uncertain significance (1 of 4 stars; one submission).

Conditions:
Emery-Dreifuss muscular dystrophy 5, autosomal dominant (EDMD5). Also called: EMERY-DREIFUSS MUSCULAR DYSTROPHY 5. Identifiers: Orphanet 261, MedGen C2751805, MONDO:0013072, OMIM 612999.

Allele frequency attached by ClinVar (database versions not stated): gnomAD 0.00001; TOPMed 0.00001; gnomAD exomes 0.00004; ExAC 0.00008.
gnomAD v4.1: 14 of 1,613,890 alleles (0.00087%); highest among the groups gnomAD compares: Non-Finnish European, 0.0012%; no homozygotes.

Submission:

Labcorp Genetics (formerly Invitae), Labcorp
Classification: Uncertain significance for Emery-Dreifuss muscular dystrophy 5, autosomal dominant. Last evaluated: 2021-02-09. Review status: criteria provided, single submitter. Criteria: Invitae Variant Classification Sherloc (09022015). Collection method: clinical testing. Allele origin: germline.
Comment: In summary, the available evidence is currently insufficient to determine the role of this variant in disease. Therefore, it has been classified as a Variant of Uncertain Significance. Algorithms developed to predict the effect of missense changes on protein structure and function output the following: SIFT: "Tolerated"; PolyPhen-2: "Benign"; Align-GVGD: "Class C0". The threonine amino acid residue is found in multiple mammalian species, suggesting that this missense change does not adversely affect protein function. These predictions have not been confirmed by published functional studies and their clinical significance is uncertain. This variant has not been reported in the literature in individuals with SYNE2-related disease. This variant is present in population databases (rs752110658, ExAC 0.01%), and has an allele count higher than expected for a pathogenic variant (PMID: 28166811). This sequence change replaces arginine with threonine at codon 2860 of the SYNE2 protein (p.Arg2860Thr). The arginine residue is weakly conserved and there is a moderate physicochemical difference between arginine and threonine.

Literature cited by the submitters: PubMed 28166811.

NM_182914.3(SYNE2):c.8579G>C (p.Arg2860Thr)

Gene: SYNE2 (spectrin repeat containing nuclear envelope protein 2; plus strand). Cytogenetic location: 14q23.2.
Variant type: single nucleotide variant.
Coding change: c.8579G>C on transcript NM_182914.3 (MANE Select); coding-DNA position 8579, G replaced by C.
Protein change: p.Arg2860Thr; replaces arginine 2860 with threonine.
Molecular consequence: missense variant.
Genome position (GRCh38, 1-based): chr14:64,052,492, G>C. VCF-style: chr14-64052492-G-C. GRCh37 (hg19) VCF-style: chr14-64519210-G-C.
Other names: c.8579G>C, p.Arg2860Thr (NM_015180.6); short protein forms R2860T.
Identifiers: ClinVar variation 538314 (VCV000538314.8), dbSNP rs752110658, ClinGen allele CA7221134.
Genomic context (GRCh38, chr14:64,052,492, plus strand): 5'-TTGCTATAATAAGGAAGTTTCAACTTATGGTTCAAGAAAGTGAAACACTGATAATTCCCA[G>C]GGTGGAGACAGCTGCCACGGAAGCTGAACTAAAACATCACCATGTTACTTTGGAGGCATC-3'
Protein context (NP_878918.2, residues 2850-2870): VQESETLIIP[Arg2860Thr]VETAATEAEL